The following is an entry in ClinVar:

ClinVar aggregate classification (germline): Likely benign (0 of 4 stars; one submission).

Conditions:
PLXNA4-related disorder. Also called: PLXNA4-related condition.

gnomAD v4.1: 16 of 1,614,086 alleles (0.00099%); highest among the groups gnomAD compares: Middle Eastern, 0.033%; 1 homozygote.

Submission:

PreventionGenetics, part of Exact Sciences
Classification: Likely benign for PLXNA4-related condition. Last evaluated: 2022-04-14. Review status: no assertion criteria provided. Collection method: clinical testing. Allele origin: germline.
Comment: This variant is classified as likely benign based on ACMG/AMP sequence variant interpretation guidelines (Richards et al. 2015 PMID: 25741868, with internal and published modifications).

NM_020911.2(PLXNA4):c.2217C>T (p.Cys739=)

Gene: PLXNA4 (plexin A4; minus strand). Cytogenetic location: 7q32.3.
Variant type: single nucleotide variant.
Coding change: c.2217C>T on transcript NM_020911.2 (MANE Select); coding-DNA position 2217, C replaced by T.
Protein change: p.Cys739=; no amino-acid change (cysteine 739 retained).
Molecular consequence: synonymous variant.
Genome position (GRCh38, 1-based): chr7:132,211,024, G>A on the plus strand (C>T on the coding strand, the complement: PLXNA4 is on the minus strand). VCF-style: chr7-132211024-G-A. GRCh37 (hg19) VCF-style: chr7-131895783-G-A.
Other names: c.2217C>T, p.Cys739= (NM_001393897.1).
Identifiers: ClinVar variation 3358221 (VCV003358221.1).